The following is an entry in ClinVar:

ClinVar aggregate classification (germline): Uncertain significance (1 of 4 stars; one submission).

Conditions:
Inborn genetic diseases. Identifiers: MedGen C0950123, MeSH D030342.

Submission:

Ambry Genetics
Classification: Uncertain significance for Inborn genetic diseases. Last evaluated: 2024-08-02. Review status: criteria provided, single submitter. Criteria: Ambry Variant Classification Scheme 2023. Collection method: clinical testing. Allele origin: germline.
Comment: The p.S345G variant (also known as c.1033A>G), located in coding exon 8 of the EPAS1 gene, results from an A to G substitution at nucleotide position 1033. The serine at codon 345 is replaced by glycine, an amino acid with similar properties. This amino acid position is conserved. In addition, the in silico prediction for this alteration is inconclusive. Based on the available evidence, the clinical significance of this variant remains unclear.

NM_001430.5(EPAS1):c.1033A>G (p.Ser345Gly)

Gene: EPAS1 (endothelial PAS domain protein 1; plus strand). Cytogenetic location: 2p21.
Variant type: single nucleotide variant.
Coding change: c.1033A>G on transcript NM_001430.5 (MANE Select); coding-DNA position 1033, A replaced by G.
Protein change: p.Ser345Gly; replaces serine 345 with glycine.
Molecular consequence: missense variant.
Genome position (GRCh38, 1-based): chr2:46,375,836, A>G. VCF-style: chr2-46375836-A-G. GRCh37 (hg19) VCF-style: chr2-46602975-A-G.
Other names: short protein forms S345G.
Identifiers: ClinVar variation 3508962 (VCV003508962.1).